The following is an entry in ClinVar:

ClinVar aggregate classification (germline): Uncertain significance (1 of 4 stars; one submission).

Conditions:
Rhabdoid tumor predisposition syndrome 2 (RTPS2). Identifiers: Orphanet 231108, Orphanet 69077, MedGen C2750074, MONDO:0013224, OMIM 613325.

Submission:

Labcorp Genetics (formerly Invitae), Labcorp
Classification: Uncertain significance for Rhabdoid tumor predisposition syndrome 2. Last evaluated: 2024-09-06. Review status: criteria provided, single submitter. Criteria: Invitae Variant Classification Sherloc (09022015). Collection method: clinical testing. Allele origin: germline.
Comment: This sequence change replaces proline, which is neutral and non-polar, with alanine, which is neutral and non-polar, at codon 30 of the SMARCA4 protein (p.Pro30Ala). This variant is not present in population databases (gnomAD no frequency). This variant has not been reported in the literature in individuals affected with SMARCA4-related conditions. Invitae Evidence Modeling of protein sequence and biophysical properties (such as structural, functional, and spatial information, amino acid conservation, physicochemical variation, residue mobility, and thermodynamic stability) has been performed for this missense variant. However, the output from this modeling did not meet the statistical confidence thresholds required to predict the impact of this variant on SMARCA4 protein function. In summary, the available evidence is currently insufficient to determine the role of this variant in disease. Therefore, it has been classified as a Variant of Uncertain Significance.

NM_003072.5(SMARCA4):c.88C>G (p.Pro30Ala)

Gene: SMARCA4 (SWI/SNF related BAF chromatin remodeling complex subunit ATPase 4; plus strand). Cytogenetic location: 19p13.2.
Variant type: single nucleotide variant.
Coding change: c.88C>G on transcript NM_003072.5 (MANE Select); coding-DNA position 88, C replaced by G.
Protein change: p.Pro30Ala; replaces proline 30 with alanine.
Molecular consequence: missense variant. On other transcripts: non-coding transcript variant (1).
Genome position (GRCh38, 1-based): chr19:10,984,239, C>G. VCF-style: chr19-10984239-C-G. GRCh37 (hg19) VCF-style: chr19-11094915-C-G.
Other names: c.88C>G, p.Pro30Ala (NM_001128844.3, NM_001128845.2, NM_001128846.2 and 6 more transcripts); short protein forms P30A.
Identifiers: ClinVar variation 3636817 (VCV003636817.2).